The following is an entry in ClinVar:

ClinVar aggregate classification (germline): Uncertain significance (1 of 4 stars; one submission).

Conditions:
Primary ciliary dyskinesia. Also called: Ciliary dyskinesia. Identifiers: Orphanet 244, MedGen C0008780, MONDO:0016575, HP:0012265.

Submission:

Labcorp Genetics (formerly Invitae), Labcorp
Classification: Uncertain significance for Primary ciliary dyskinesia. Last evaluated: 2020-11-25. Review status: criteria provided, single submitter. Criteria: Invitae Variant Classification Sherloc (09022015). Collection method: clinical testing. Allele origin: germline.
Comment: In summary, the available evidence is currently insufficient to determine the role of this variant in disease. Therefore, it has been classified as a Variant of Uncertain Significance. This variant has been observed in individual(s) with clinical features of primary ciliary dyskinesia (Invitae). This variant is not present in population databases (ExAC no frequency). This variant, c.6574_6576dup, results in the insertion of 1 amino acid(s) to the DNAH11 protein (p.Val2192dup), but otherwise preserves the integrity of the reading frame.

NM_001277115.2(DNAH11):c.6574_6576dup (p.Val2192dup)

Gene: DNAH11 (dynein axonemal heavy chain 11; plus strand). Cytogenetic location: 7p15.3.
Variant type: Duplication.
Coding change: c.6574_6576dup on transcript NM_001277115.2 (MANE Select); coding-DNA positions 6574 to 6576, 3 bases duplicated (GTT; older notation c.6574_6576dupGTT).
Protein change: p.Val2192dup; duplicates valine 2192.
Molecular consequence: inframe insertion.
Genome position (GRCh38, 1-based): chr7:21,707,726-21,707,728, GTT duplicated; duplicating any 3 consecutive bases within chr7:21,707,725-21,707,728 gives the same sequence; the c. name uses the placement nearest the transcript's 3' end. VCF-style (leftmost placement, unchanged base first): chr7-21707724-A-ATGT. GRCh37 (hg19) VCF-style: chr7-21747342-A-ATGT.
Identifiers: ClinVar variation 1471692 (VCV001471692.8), dbSNP rs2128480173, ClinGen allele CA2573142021.
Genomic context (GRCh38, chr7:21,707,724, plus strand): 5'-ATTAATTTTTTTGGCTCTTTCCTCCTTCCCCTCAGATTTTGAGAACACTGAACCGAACAT[A>ATGT]TGTTAACATGAAACAGAAGCCGGTTTGGAATGACTTAAACCCTAAAGCTGTGACAACAGA-3'